The following is an entry in ClinVar:

NM_002180.3(IGHMBP2):c.1235+38C>T

Gene: IGHMBP2 (immunoglobulin mu DNA binding protein 2; plus strand). Cytogenetic location: 11q13.3.
Variant type: single nucleotide variant.
Coding change: c.1235+38C>T on transcript NM_002180.3 (MANE Select); 38 bases into the intron after coding-DNA position 1235, C replaced by T.
Molecular consequence: intron variant.
Genome position (GRCh38, 1-based): chr11:68,929,395, C>T. VCF-style: chr11-68929395-C-T. GRCh37 (hg19) VCF-style: chr11-68696863-C-T.
Other names: c.1235+38C>T (NM_002180.2).
Identifiers: ClinVar variation 1211027 (VCV001211027.6), dbSNP rs150602837, ClinGen allele CA6153556.

ClinVar aggregate classification (germline): Likely benign. Review status: criteria provided, multiple submitters, no conflicts (2 of 4 stars). 3 submissions from 3 submitters: Likely benign (2). 1 of the submissions does not count toward it. Last evaluated 2018-06-29.

Conditions:
IGHMBP2-related disorder. Also called: IGHMBP2-related condition; IGHMBP2-related disorders.

Allele frequency attached by ClinVar (database versions not stated): 1000 Genomes Project 0.00419; 1000 Genomes Project 30x 0.00437; gnomAD 0.00834 and 0.00863; TOPMed 0.00842; gnomAD exomes 0.00884; ESP Exome Variant Server 0.00916; ExAC 0.00926.

Submissions (3):

GeneDx
Classification: Likely benign. Last evaluated: 2018-06-29. Review status: criteria provided, single submitter. Criteria: GeneDx Variant Classification Process June 2021. Collection method: clinical testing. Allele origin: germline. Affected: yes.

Breakthrough Genomics
Classification: Likely benign. Review status: criteria provided, single submitter. Criteria: ACMG Guidelines, 2015. Collection method: not provided. Allele origin: germline. Inheritance: Autosomal recessive inheritance. Affected: yes.

PreventionGenetics, part of Exact Sciences
Classification: Benign for IGHMBP2-related condition. Last evaluated: 2019-11-11. Review status: no assertion criteria provided. Collection method: clinical testing. Allele origin: germline. Not counted in ClinVar's aggregate classification.
Comment: This variant is classified as benign based on ACMG/AMP sequence variant interpretation guidelines (Richards et al. 2015 PMID: 25741868, with internal and published modifications).